The following is an entry in ClinVar:

NM_002335.4(LRP5):c.4454G>C (p.Ser1485Thr)

Gene: LRP5 (LDL receptor related protein 5; plus strand). Cytogenetic location: 11q13.2.
Variant type: single nucleotide variant.
Coding change: c.4454G>C on transcript NM_002335.4 (MANE Select); coding-DNA position 4454, G replaced by C.
Protein change: p.Ser1485Thr; replaces serine 1485 with threonine.
Molecular consequence: missense variant.
Genome position (GRCh38, 1-based): chr11:68,439,882, G>C. VCF-style: chr11-68439882-G-C. GRCh37 (hg19) VCF-style: chr11-68207350-G-C.
Other names: c.2711G>C, p.Ser904Thr (NM_001291902.2); c.4454G>C (NM_002335.2); short protein forms S1485T, S904T.
Identifiers: ClinVar variation 5019140 (VCV005019140.2).

ClinVar aggregate classification (germline): Uncertain significance. Review status: criteria provided, multiple submitters, no conflicts (2 of 4 stars). 2 submissions from 2 submitters: Uncertain significance (2). Last evaluated 2026-08-23.

Conditions:
Bone mineral density quantitative trait locus 1 (BMND1). Identifiers: MedGen C1866079, OMIM 601884.
Worth disease. Also called: ENDOSTEAL HYPEROSTOSIS, AUTOSOMAL DOMINANT; OSTEOSCLEROSIS, AUTOSOMAL DOMINANT; Autosomal dominant osteosclerosis, Worth type. Identifiers: Orphanet 2790, MedGen C0432273, MONDO:0007764, OMIM 144750.
Osteoporosis with pseudoglioma (OPPG). Also called: osteoporosis-pseudoglioma syndrome. Identifiers: Orphanet 2788, MedGen C0432252, MONDO:0009820, OMIM 259770.
Polycystic liver disease 4 with or without kidney cysts. Identifiers: MedGen C4693479, MONDO:0044327, OMIM 617875.
Exudative vitreoretinopathy 4 (EVR4). Identifiers: Orphanet 891, MedGen C1866176, MONDO:0011151, OMIM 601813.
Autosomal dominant osteopetrosis 1 (OPTA1). Also called: OSTEOPETROSIS, AUTOSOMAL DOMINANT, TYPE I. Identifiers: Orphanet 2783, MedGen C1843330, MONDO:0011877, OMIM 607634.
Inborn genetic diseases. Identifiers: MedGen C0950123, MeSH D030342.

gnomAD v4.1: 1 of 1,581,602 alleles (0.000063%); highest among the groups gnomAD compares: East Asian, 0.0023%; no homozygotes.

Submissions (2):

Ambry Genetics
Classification: Uncertain significance for Inborn genetic diseases. Last evaluated: 2026-08-23. Review status: criteria provided, single submitter. Criteria: Ambry Variant Classification Scheme 2023. Collection method: clinical testing. Allele origin: germline.

Juno Genomics, Hangzhou Juno Genomics, Inc
Classification: Uncertain significance for Bone mineral density quantitative trait locus 1; Worth disease; Exudative vitreoretinopathy 4; Autosomal dominant osteopetrosis 1; Osteoporosis with pseudoglioma; Polycystic liver disease 4 with or without kidney cysts. Review status: criteria provided, single submitter. Criteria: ACMG Guidelines, 2015. Collection method: clinical testing. Allele origin: germline. Affected: yes.
Comment: Absent from controls (or at extremely low frequency if recessive) in Genome Aggregation Database.;Missense variant in a gene that has a low rate of benign missense variation.